The following is an entry in ClinVar:

ClinVar aggregate classification (germline): Uncertain significance (1 of 4 stars; one submission).

Submission:

Labcorp Genetics (formerly Invitae), Labcorp
Classification: Uncertain significance. Last evaluated: 2025-11-24. Review status: criteria provided, single submitter. Criteria: Invitae Variant Classification Sherloc (09022015). Collection method: clinical testing. Allele origin: germline.
Comment: This sequence change replaces aspartic acid, which is acidic and polar, with histidine, which is basic and polar, at codon 1685 of the COL11A1 protein (p.Asp1685His). This variant is not present in population databases (gnomAD no frequency). This variant has not been reported in the literature in individuals affected with COL11A1-related conditions. ClinVar contains an entry for this variant (Variation ID: 3709500). Invitae Evidence Modeling of protein sequence and biophysical properties (such as structural, functional, and spatial information, amino acid conservation, physicochemical variation, residue mobility, and thermodynamic stability) has been performed for this missense variant. However, the output from this modeling did not meet the statistical confidence thresholds required to predict the impact of this variant on COL11A1 protein function. In summary, the available evidence is currently insufficient to determine the role of this variant in disease. Therefore, it has been classified as a Variant of Uncertain Significance.

NM_001854.4(COL11A1):c.5053G>C (p.Asp1685His)

Genes: COL11A1 (collagen type XI alpha 1 chain; minus strand), LOC126805814 (P300/CBP strongly-dependent group 1 enhancer GRCh37_chr1:103344928-103346127; plus strand). Cytogenetic location: 1p21.1.
Variant type: single nucleotide variant.
Coding change: c.5053G>C on transcript NM_001854.4 (MANE Select); coding-DNA position 5053, G replaced by C.
Protein change: p.Asp1685His; replaces aspartic acid 1685 with histidine.
Molecular consequence: missense variant. On other transcripts: non-coding transcript variant (1).
Genome position (GRCh38, 1-based): chr1:102,879,904, C>G on the plus strand (G>C on the coding strand, the complement: COL11A1 is on the minus strand). VCF-style: chr1-102879904-C-G. GRCh37 (hg19) VCF-style: chr1-103345460-C-G.
Other names: c.4936G>C, p.Asp1646His (NM_001190709.2); c.5089G>C, p.Asp1697His (NM_080629.3); c.4705G>C, p.Asp1569His (NM_080630.4); short protein forms D1569H, D1646H, D1697H, D1685H.
Identifiers: ClinVar variation 3709500 (VCV003709500.2).